The following is an entry in ClinVar:

ClinVar aggregate classification (germline): Uncertain significance (1 of 4 stars; one submission).

Submission:

Women's Health and Genetics/Laboratory Corporation of America, LabCorp
Classification: Uncertain significance. Last evaluated: 2026-06-04. Review status: criteria provided, single submitter. Criteria: LabCorp Variant Classification Summary - May 2015. Collection method: clinical testing. Allele origin: germline.
Comment: Variant summary: PROKR2 c.614_616delAGA (p.Lys205del) results in an in-frame deletion that is predicted to remove one amino acid from the encoded protein. The variant was absent in 251484 control chromosomes (gnomAD). The available data on variant occurrences in the general population are insufficient to allow any conclusion about variant significance. c.614_616delAGA has been observed in an individual affected with features of PROKR2-related conditions, as well as an unaffected parent (Mkaouar_2021). This report does not provide unequivocal conclusions about association of the variant with disease. To our knowledge, no experimental evidence demonstrating an impact on protein function has been reported. The following publication has been ascertained in the context of this evaluation (PMID: 34539727). No submitters have cited clinical-significance assessments for this variant to ClinVar. Based on the evidence outlined above, the variant was classified as uncertain significance.

Literature cited by the submitters: PubMed 34539727.

NM_144773.4(PROKR2):c.611AGA[1] (p.Lys205del)

Gene: PROKR2 (prokineticin receptor 2; minus strand). Cytogenetic location: 20p12.3.
Variant type: Microsatellite.
Coding change: c.611AGA[1] on transcript NM_144773.4 (MANE Select); one copy of the 3-base unit AGA starting at c.611; the reference has two copies in a row; one copy, 3 bases deleted.
Protein change: p.Lys205del; deletes lysine 205.
Molecular consequence: inframe deletion.
Genome position (GRCh38, 1-based): chr20:5,302,579-5,302,581, TCT deleted on the plus strand (AGA on the coding strand, the reverse complement: PROKR2 is on the minus strand); deleting any 3 consecutive bases within chr20:5,302,579-5,302,584 gives the same sequence; the position shown is the placement nearest the transcript's 3' end. VCF-style (leftmost placement, unchanged base first): chr20-5302578-ATCT-A. GRCh37 (hg19) VCF-style: chr20-5283224-ATCT-A.
Other names: c.614_616delAGA (NM_144773.4); short protein forms K205del.
Identifiers: ClinVar variation 4887512 (VCV004887512.1).